The following is an entry in ClinVar:

ClinVar aggregate classification (germline): Pathogenic (1 of 4 stars; one submission).

Conditions:
Inborn genetic diseases. Identifiers: MedGen C0950123, MeSH D030342.

Submission:

Ambry Genetics
Classification: Pathogenic for Inborn genetic diseases. Last evaluated: 2021-02-11. Review status: criteria provided, single submitter. Criteria: Ambry Variant Classification Scheme 2023. Collection method: clinical testing. Allele origin: germline.
Comment: The c.170delC (p.P57Qfs*55) alteration, located in exon 2 (coding exon 1) of the SOX6 gene, consists of a deletion of one nucleotide at position 170, causing a translational frameshift with a predicted alternate stop codon after 55 amino acids. This alteration is expected to result in loss of function by premature protein truncation or nonsense-mediated mRNA decay. Based on data from the Genome Aggregation Database (gnomAD), the SOX6 c.170delC alteration was not observed, with coverage at this position. Based on the available evidence, this alteration is classified as pathogenic.

NM_001367873.1(SOX6):c.170del (p.Pro57fs)

Gene: SOX6 (SRY-box transcription factor 6; minus strand). Cytogenetic location: 11p15.2.
Variant type: Deletion.
Coding change: c.170del on transcript NM_001367873.1 (MANE Select); coding-DNA position 170, one base deleted (C; older notation c.170delC).
Protein change: p.Pro57fs; shifts the reading frame from proline 57.
Molecular consequence: frameshift variant.
Genome position (GRCh38, 1-based): chr11:16,341,079, G deleted on the plus strand (C on the coding strand, the reverse complement: SOX6 is on the minus strand); the first of 2 consecutive G bases (chr11:16,341,079-16,341,080); deleting either gives the same sequence. VCF-style (leftmost placement, unchanged base first): chr11-16341078-TG-T. GRCh37 (hg19) VCF-style: chr11-16362624-TG-T.
Other names: c.170del, p.Pro57fs (NM_001145811.2, NM_001145819.2, NM_001367872.1 and 2 more transcripts); c.170delC (NM_033326.3); short protein forms P57fs.
Identifiers: ClinVar variation 2408242 (VCV002408242.2), dbSNP rs2494225430, ClinGen allele CA2580082719.